The following is an entry in ClinVar:

NM_002335.4(LRP5):c.82_91+21del

Gene: LRP5 (LDL receptor related protein 5; plus strand). Cytogenetic location: 11q13.2.
Variant type: Deletion.
Coding change: c.82_91+21del on transcript NM_002335.4 (MANE Select); coding-DNA position 82 through 21 bases into the intron after coding-DNA position 91, 31 bases deleted.
Molecular consequence: splice donor variant.
Genome position (GRCh38, 1-based): chr11:68,312,796-68,312,826, 31 bases deleted; deleting any 31 consecutive bases within chr11:68,312,790-68,312,826 gives the same sequence; the c. name uses the placement nearest the transcript's 3' end. GRCh37 (hg19): chr11:68,080,264-68,080,294.
Other names: c.-1684_-1675+21del (NM_001291902.2).
Identifiers: ClinVar variation 2002350 (VCV002002350.4), dbSNP rs2496192280, ClinGen allele CA2580084685.

ClinVar aggregate classification (germline): Likely pathogenic (1 of 4 stars; one submission).

Submission:

Labcorp Genetics (formerly Invitae), Labcorp
Classification: Likely pathogenic. Last evaluated: 2022-06-03. Review status: criteria provided, single submitter. Criteria: Invitae Variant Classification Sherloc (09022015). Collection method: clinical testing. Allele origin: germline.
Comment: This variant results in the deletion of part of exon 1 (c.82_91+21del) of the LRP5 gene. It is expected to disrupt RNA splicing. Variants that disrupt the donor or acceptor splice site typically lead to a loss of protein function (PMID: 16199547), and loss-of-function variants in LRP5 are known to be pathogenic (PMID: 11719191, 16252235, 25711638). The frequency data for this variant in the population databases is considered unreliable, as metrics indicate insufficient coverage at this position in the gnomAD database. This variant has not been reported in the literature in individuals affected with LRP5-related conditions. Algorithms developed to predict the effect of sequence changes on RNA splicing suggest that this variant may disrupt the consensus splice site. In summary, the currently available evidence indicates that the variant is pathogenic, but additional data are needed to prove that conclusively. Therefore, this variant has been classified as Likely Pathogenic.

Literature cited by the submitters: PubMed 16199547; PubMed 11719191; PubMed 16252235; PubMed 25711638.